The following is an entry in ClinVar:

NM_001365902.3(NFIX):c.904C>T (p.Pro302Ser)

Gene: NFIX (nuclear factor I X; plus strand). Cytogenetic location: 19p13.13.
Variant type: single nucleotide variant.
Coding change: c.904C>T on transcript NM_001365902.3 (MANE Select); coding-DNA position 904, C replaced by T.
Protein change: p.Pro302Ser; replaces proline 302 with serine.
Molecular consequence: missense variant.
Genome position (GRCh38, 1-based): chr19:13,075,620, C>T. VCF-style: chr19-13075620-C-T. GRCh37 (hg19) VCF-style: chr19-13186434-C-T.
Other names: c.928C>T, p.Pro310Ser (NM_001271043.2); c.880C>T, p.Pro294Ser (NM_001271044.3, NM_001378404.1, NM_001440616.1 and 1 more transcripts); c.904C>T, p.Pro302Ser (NM_001365982.2, NM_002501.4); c.763C>T, p.Pro255Ser (NM_001365983.2); c.901C>T, p.Pro301Ser (NM_001365984.2, NM_001365985.2); c.952C>T, p.Pro318Ser (NM_001378405.1); short protein forms P255S, P294S, P301S, P302S, P310S, P318S.
Identifiers: ClinVar variation 4822490 (VCV004822490.4).

ClinVar aggregate classification (germline): Uncertain significance (1 of 4 stars; one submission).

Submission:

CeGaT Center for Human Genetics Tuebingen
Classification: Uncertain significance. Last evaluated: 2026-01-01. Review status: criteria provided, single submitter. Criteria: CeGaT Center For Human Genetics Tuebingen Variant Classification Criteria Version 2. Collection method: clinical testing. Allele origin: germline. Affected: yes. Observed: 1 variant allele.
Comment: NFIX: PM2, PP2